The following is an entry in ClinVar:

NC_000019.10:g.5675985G>A

Gene: RPL36 (ribosomal protein L36; plus strand). Cytogenetic location: 19p13.3.
Variant type: single nucleotide variant.
Genome position: GRCh38 VCF-style: chr19-5675985-G-A. GRCh37 (hg19) VCF-style: chr19-5675996-G-A.
Identifiers: ClinVar variation 2649117 (VCV002649117.24), dbSNP rs150932585, ClinGen allele CA14719053.

ClinVar aggregate classification (germline): Benign (1 of 4 stars; one submission).

Allele frequency attached by ClinVar (database versions not stated): 1000 Genomes Project 0.00379; 1000 Genomes Project 30x 0.00531; gnomAD 0.00787; TOPMed 0.00842.

Submission:

CeGaT Center for Human Genetics Tuebingen
Classification: Benign. Last evaluated: 2022-11-01. Review status: criteria provided, single submitter. Criteria: CeGaT Center For Human Genetics Tuebingen Variant Classification Criteria Version 2. Collection method: clinical testing. Allele origin: germline. Affected: yes. Observed: 1 variant allele.
Comment: RPL36: BS1, BS2